The following is an entry in ClinVar:

ClinVar aggregate classification (germline): Likely benign. Review status: criteria provided, multiple submitters, no conflicts (2 of 4 stars). 2 submissions from 2 submitters: Likely benign (2). Last evaluated 2024-10-09.

Conditions:
Progressive sclerosing poliodystrophy (MTDPS4A). Also called: ALPERS PROGRESSIVE INFANTILE POLIODYSTROPHY; NEURONAL DEGENERATION OF CHILDHOOD WITH LIVER DISEASE, PROGRESSIVE; Alpers-Huttenlocher Syndrome (AHS); Alpers Syndrome; Mitochondrial DNA Depletion Syndrome 4A; ALPERS DIFFUSE DEGENERATION OF CEREBRAL GRAY MATTER WITH HEPATIC CIRRHOSIS. Identifiers: Orphanet 726, MedGen C0205710, MONDO:0008758, OMIM 203700.

Submissions (2):

Labcorp Genetics (formerly Invitae), Labcorp
Classification: Likely benign for Progressive sclerosing poliodystrophy. Last evaluated: 2024-10-09. Review status: criteria provided, single submitter. Criteria: Invitae Variant Classification Sherloc (09022015). Collection method: clinical testing. Allele origin: germline.

GeneDx
Classification: Likely benign. Last evaluated: 2016-02-09. Review status: criteria provided, single submitter. Criteria: GeneDx Variant Classification (06012015). Collection method: clinical testing. Allele origin: germline. Affected: yes.
Comment: This variant is considered likely benign or benign based on one or more of the following criteria: it is a conservative change, it occurs at a poorly conserved position in the protein, it is predicted to be benign by multiple in silico algorithms, and/or has population frequency not consistent with disease.

NM_002693.3(POLG):c.1713-12G>A

Gene: POLG (DNA polymerase gamma, catalytic subunit; minus strand). Cytogenetic location: 15q26.1.
Variant type: single nucleotide variant.
Coding change: c.1713-12G>A on transcript NM_002693.3 (MANE Select); 12 bases into the intron before coding-DNA position 1713, G replaced by A.
Molecular consequence: intron variant.
Genome position (GRCh38, 1-based): chr15:89,325,698, C>T on the plus strand (G>A on the coding strand, the complement: POLG is on the minus strand). VCF-style: chr15-89325698-C-T. GRCh37 (hg19) VCF-style: chr15-89868929-C-T.
Other names: c.1713-12G>A (NM_001126131.2).
Identifiers: ClinVar variation 383353 (VCV000383353.4), dbSNP rs1057521595, ClinGen allele CA16606835.